The following is an entry in ClinVar:

ClinVar aggregate classification (germline): Likely benign. Review status: criteria provided, multiple submitters, no conflicts (2 of 4 stars). 2 submissions from 2 submitters: Likely benign (2). Last evaluated 2024-01-16.

Conditions:
Maple syrup urine disease (MSUD). Identifiers: Orphanet 511, MedGen C0024776, MeSH D008375, MONDO:0009563. Disease mechanism: loss of function.

Allele frequency attached by ClinVar (database versions not stated): gnomAD exomes below 0.00001.
gnomAD v4.1: 1 of 1,614,080 alleles (0.000062%); highest among the groups gnomAD compares: Non-Finnish European, 0.000085%; no homozygotes.

Submissions (2):

Labcorp Genetics (formerly Invitae), Labcorp
Classification: Likely benign for Maple syrup urine disease. Last evaluated: 2024-01-16. Review status: criteria provided, single submitter. Criteria: Invitae Variant Classification Sherloc (09022015). Collection method: clinical testing. Allele origin: germline.

GeneDx
Classification: Likely benign. Last evaluated: 2018-05-14. Review status: criteria provided, single submitter. Criteria: GeneDx Variant Classification (06012015). Collection method: clinical testing. Allele origin: germline. Affected: yes.
Comment: This variant is considered likely benign or benign based on one or more of the following criteria: it is a conservative change, it occurs at a poorly conserved position in the protein, it is predicted to be benign by multiple in silico algorithms, and/or has population frequency not consistent with disease.

NM_183050.4(BCKDHB):c.1068T>C (p.Pro356=)

Gene: BCKDHB (branched chain keto acid dehydrogenase E1 subunit beta; plus strand). Cytogenetic location: 6q14.1.
Variant type: single nucleotide variant.
Coding change: c.1068T>C on transcript NM_183050.4 (MANE Select); coding-DNA position 1068, T replaced by C.
Protein change: p.Pro356=; no amino-acid change (proline 356 retained).
Molecular consequence: synonymous variant. On other transcripts: non-coding transcript variant (1).
Genome position (GRCh38, 1-based): chr6:80,343,693, T>C. VCF-style: chr6-80343693-T-C. GRCh37 (hg19) VCF-style: chr6-81053410-T-C.
Other names: c.1068T>C, p.Pro356= (NM_000056.5); c.858T>C, p.Pro286= (NM_001318975.1).
Identifiers: ClinVar variation 668326 (VCV000668326.6), dbSNP rs1582600488, ClinGen allele CA451075092.